The following is an entry in ClinVar:

ClinVar aggregate classification (germline): Uncertain significance (1 of 4 stars; one submission).

Submission:

Ambry Genetics
Classification: Uncertain significance. Last evaluated: 2022-05-02. Review status: criteria provided, single submitter. Criteria: Ambry Variant Classification Scheme 2023. Collection method: clinical testing. Allele origin: germline.
Comment: The p.E178G variant (also known as c.533A>G), located in coding exon 1 of the PALLD gene, results from an A to G substitution at nucleotide position 533. The glutamic acid at codon 178 is replaced by glycine, an amino acid with similar properties. This amino acid position is conserved. In addition, the in silico prediction for this alteration is inconclusive. Since supporting evidence is limited at this time, the clinical significance of this alteration remains unclear.

NM_001166108.2(PALLD):c.533A>G (p.Glu178Gly)

Gene: PALLD (palladin, cytoskeletal associated protein; plus strand). Cytogenetic location: 4q32.3.
Variant type: single nucleotide variant.
Coding change: c.533A>G on transcript NM_001166108.2 (MANE Select); coding-DNA position 533, A replaced by G.
Protein change: p.Glu178Gly; replaces glutamic acid 178 with glycine.
Molecular consequence: missense variant.
Genome position (GRCh38, 1-based): chr4:168,512,037, A>G. VCF-style: chr4-168512037-A-G. GRCh37 (hg19) VCF-style: chr4-169433188-A-G.
Other names: c.533A>G, p.Glu178Gly (NM_016081.4); short protein forms E178G.
Identifiers: ClinVar variation 1746913 (VCV001746913.2), dbSNP rs978092731, ClinGen allele CA358726234.